The following is an entry in ClinVar:

NM_001372.4(DNAH9):c.7925C>T (p.Ala2642Val)

Gene: DNAH9 (dynein axonemal heavy chain 9; plus strand). Cytogenetic location: 17p12.
Variant type: single nucleotide variant.
Coding change: c.7925C>T on transcript NM_001372.4 (MANE Select); coding-DNA position 7925, C replaced by T.
Protein change: p.Ala2642Val; replaces alanine 2642 with valine.
Molecular consequence: missense variant.
Genome position (GRCh38, 1-based): chr17:11,784,403, C>T. VCF-style: chr17-11784403-C-T. GRCh37 (hg19) VCF-style: chr17-11687720-C-T.
Other names: short protein forms A2642V.
Identifiers: ClinVar variation 1463196 (VCV001463196.5), dbSNP rs750150972, ClinGen allele CA8396775.

ClinVar aggregate classification (germline): Uncertain significance (1 of 4 stars; one submission).

Allele frequency attached by ClinVar (database versions not stated): ExAC 0.00002; gnomAD exomes 0.00002.
gnomAD v4.1: 14 of 1,614,160 alleles (0.00087%); highest among the groups gnomAD compares: East Asian, 0.0067%; no homozygotes.

Submission:

Labcorp Genetics (formerly Invitae), Labcorp
Classification: Uncertain significance. Last evaluated: 2021-09-01. Review status: criteria provided, single submitter. Criteria: Invitae Variant Classification Sherloc (09022015). Collection method: clinical testing. Allele origin: germline.
Comment: This sequence change replaces alanine with valine at codon 2642 of the DNAH9 protein (p.Ala2642Val). The alanine residue is weakly conserved and there is a small physicochemical difference between alanine and valine. This variant is present in population databases (rs750150972, ExAC 0.003%). This variant has not been reported in the literature in individuals affected with DNAH9-related conditions. Algorithms developed to predict the effect of missense changes on protein structure and function output the following: SIFT: "Tolerated"; PolyPhen-2: "Benign"; Align-GVGD: "Class C0". The valine amino acid residue is found in multiple mammalian species, which suggests that this missense change does not adversely affect protein function. In summary, the available evidence is currently insufficient to determine the role of this variant in disease. Therefore, it has been classified as a Variant of Uncertain Significance.